The following is an entry in ClinVar:

NM_004336.5(BUB1):c.1067G>T (p.Arg356Ile)

Gene: BUB1 (BUB1 mitotic checkpoint serine/threonine kinase; minus strand). Cytogenetic location: 2q13.
Variant type: single nucleotide variant.
Coding change: c.1067G>T on transcript NM_004336.5 (MANE Select); coding-DNA position 1067, G replaced by T.
Protein change: p.Arg356Ile; replaces arginine 356 with isoleucine.
Molecular consequence: missense variant.
Genome position (GRCh38, 1-based): chr2:110,661,732, C>A on the plus strand (G>T on the coding strand, the complement: BUB1 is on the minus strand). VCF-style: chr2-110661732-C-A. GRCh37 (hg19) VCF-style: chr2-111419309-C-A.
Other names: c.1007G>T, p.Arg336Ile (NM_001278616.2); c.1067G>T, p.Arg356Ile (NM_001278617.2); short protein forms R336I, R356I.
Identifiers: ClinVar variation 1782269 (VCV001782269.2), dbSNP rs2468017516, ClinGen allele CA348214480.

ClinVar aggregate classification (germline): Uncertain significance (1 of 4 stars; one submission).

Submission:

Ambry Genetics
Classification: Uncertain significance. Last evaluated: 2021-08-24. Review status: criteria provided, single submitter. Criteria: Ambry Variant Classification Scheme 2023. Collection method: clinical testing. Allele origin: germline.
Comment: The p.R356I variant (also known as c.1067G>T), located in coding exon 10 of the BUB1 gene, results from a G to T substitution at nucleotide position 1067. The arginine at codon 356 is replaced by isoleucine, an amino acid with similar properties. This amino acid position is conserved. In addition, this alteration is predicted to be tolerated by in silico analysis. Since supporting evidence is limited at this time, the clinical significance of this alteration remains unclear.